The following is an entry in ClinVar:

NM_000219.6(KCNE1):c.118G>T (p.Gly40Cys)

Gene: KCNE1 (potassium voltage-gated channel subfamily E regulatory subunit 1; minus strand). Cytogenetic location: 21q22.12.
Variant type: single nucleotide variant.
Coding change: c.118G>T on transcript NM_000219.6 (MANE Select); coding-DNA position 118, G replaced by T.
Protein change: p.Gly40Cys; replaces glycine 40 with cysteine.
Molecular consequence: missense variant.
Genome position (GRCh38, 1-based): chr21:34,449,517, C>A on the plus strand (G>T on the coding strand, the complement: KCNE1 is on the minus strand). VCF-style: chr21-34449517-C-A. GRCh37 (hg19) VCF-style: chr21-35821815-C-A.
Other names: c.118G>T, p.Gly40Cys (NM_001127668.4, NM_001127669.4, NM_001127670.4 and 4 more transcripts); short protein forms G40C.
Identifiers: ClinVar variation 3374092 (VCV003374092.2).

Conditions:
Long QT syndrome 5 (LQT5). Identifiers: Orphanet 101016, Orphanet 768, MedGen C1867904, MONDO:0013372, OMIM 613695.

Submission:

Roden Lab, Vanderbilt University Medical Center
No classification provided (evidence only). Condition: Long QT syndrome 5. Review status: no classification provided. Collection method: in vitro. Allele origin: not applicable. Functional consequence: Effect on ion channel function.
ClinVar note: "not provided" was previously submitted as the classification for the variant. However, the classification appeared to be based only on an observation of functional data so it was converted to no classification on 2025-07-30.